The following is an entry in ClinVar:

ClinVar aggregate classification (germline): Uncertain significance. Review status: criteria provided, single submitter (1 of 4 stars). 2 submissions from 2 submitters: Uncertain significance (1). 1 of the submissions does not count toward it. Last evaluated 2024-08-08.

Conditions:
Primary hyperoxaluria type 3. Also called: PH III. Identifiers: Orphanet 416, Orphanet 93600, MedGen C3150878, MONDO:0013327, OMIM 613616. Disease mechanism: loss of function.

Allele frequency attached by ClinVar (database versions not stated): gnomAD exomes below 0.00001 and 0.00001; TOPMed 0.00001.
gnomAD v4.1: 2 of 1,614,112 alleles (0.00012%); highest among the groups gnomAD compares: Admixed American, 0.0033%; no homozygotes.

Submissions (2):

Labcorp Genetics (formerly Invitae), Labcorp
Classification: Uncertain significance. Last evaluated: 2024-08-08. Review status: criteria provided, single submitter. Criteria: Invitae Variant Classification Sherloc (09022015). Collection method: clinical testing. Allele origin: germline.
Comment: This sequence change replaces leucine, which is neutral and non-polar, with glutamine, which is neutral and polar, at codon 106 of the HOGA1 protein (p.Leu106Gln). This variant is present in population databases (no rsID available, gnomAD 0.006%). This variant has not been reported in the literature in individuals affected with HOGA1-related conditions. ClinVar contains an entry for this variant (Variation ID: 1057229). Advanced modeling of protein sequence and biophysical properties (such as structural, functional, and spatial information, amino acid conservation, physicochemical variation, residue mobility, and thermodynamic stability) performed at Invitae indicates that this missense variant is expected to disrupt HOGA1 protein function with a positive predictive value of 95%. In summary, the available evidence is currently insufficient to determine the role of this variant in disease. Therefore, it has been classified as a Variant of Uncertain Significance.

Natera, Inc.
Classification: Uncertain significance for Primary hyperoxaluria type III. Last evaluated: 2021-03-03. Review status: no assertion criteria provided. Collection method: clinical testing. Allele origin: germline. Not counted in ClinVar's aggregate classification.

NM_138413.4(HOGA1):c.317T>A (p.Leu106Gln)

Gene: HOGA1 (4-hydroxy-2-oxoglutarate aldolase 1; plus strand). Cytogenetic location: 10q24.2.
Variant type: single nucleotide variant.
Coding change: c.317T>A on transcript NM_138413.4 (MANE Select); coding-DNA position 317, T replaced by A.
Protein change: p.Leu106Gln; replaces leucine 106 with glutamine.
Molecular consequence: missense variant. On other transcripts: intron variant (1).
Genome position (GRCh38, 1-based): chr10:97,598,880, T>A. VCF-style: chr10-97598880-T-A. GRCh37 (hg19) VCF-style: chr10-99358637-T-A.
Other names: c.212-2977T>A (NM_001134670.2); short protein forms L106Q.
Identifiers: ClinVar variation 1057229 (VCV001057229.8), dbSNP rs892512382, ClinGen allele CA212672087.